The following is an entry in ClinVar:

NM_001371623.1(TCOF1):c.771G>A (p.Leu257=)

Gene: TCOF1 (treacle ribosome biogenesis factor 1; plus strand). Cytogenetic location: 5q32.
Variant type: single nucleotide variant.
Coding change: c.771G>A on transcript NM_001371623.1 (MANE Select); coding-DNA position 771, G replaced by A.
Protein change: p.Leu257=; no amino-acid change (leucine 257 retained).
Molecular consequence: synonymous variant. On other transcripts: intron variant (2).
Genome position (GRCh38, 1-based): chr5:150,372,137, G>A. VCF-style: chr5-150372137-G-A. GRCh37 (hg19) VCF-style: chr5-149751700-G-A.
Other names: c.771G>A, p.Leu257= (NM_001008657.3, NM_001135243.2, NM_001135244.2 and 1 more transcripts); c.640-2037G>A (NM_001135245.2, NM_000356.4).
Identifiers: ClinVar variation 3030155 (VCV003030155.2), dbSNP rs2533255938, ClinGen allele CA447157166.

ClinVar aggregate classification (germline): Likely benign (0 of 4 stars; one submission).

Conditions:
TCOF1-related disorder. Also called: TCOF1-related condition.

Allele frequency attached by ClinVar (database versions not stated): gnomAD exomes below 0.00001.
gnomAD v4.1: 1 of 1,614,214 alleles (0.000062%); highest among the groups gnomAD compares: East Asian, 0.0022%; no homozygotes.

Submission:

PreventionGenetics, part of Exact Sciences
Classification: Likely benign for TCOF1-related condition. Last evaluated: 2020-11-25. Review status: no assertion criteria provided. Collection method: clinical testing. Allele origin: germline.
Comment: This variant is classified as likely benign based on ACMG/AMP sequence variant interpretation guidelines (Richards et al. 2015 PMID: 25741868, with internal and published modifications).